The following is an entry in ClinVar:

NM_000186.4(CFH):c.127C>A (p.Pro43Thr)

Gene: CFH (complement factor H; plus strand). Cytogenetic location: 1q31.3.
Variant type: single nucleotide variant.
Coding change: c.127C>A on transcript NM_000186.4 (MANE Select); coding-DNA position 127, C replaced by A.
Protein change: p.Pro43Thr; replaces proline 43 with threonine.
Molecular consequence: missense variant.
Genome position (GRCh38, 1-based): chr1:196,673,046, C>A. VCF-style: chr1-196673046-C-A. GRCh37 (hg19) VCF-style: chr1-196642176-C-A.
Other names: c.127C>A, p.Pro43Thr (NM_001014975.3); short protein forms P43T.
Identifiers: ClinVar variation 4291376 (VCV004291376.2).

ClinVar aggregate classification (germline): Uncertain significance. Review status: criteria provided, multiple submitters, no conflicts (2 of 4 stars). 2 submissions from 2 submitters: Uncertain significance (2). Last evaluated 2025-11-09.

Conditions:
Atypical hemolytic-uremic syndrome. Identifiers: Orphanet 2134, MedGen C2931788, MONDO:0016244.

gnomAD v4.1: 3 of 1,613,902 alleles (0.00019%); highest among the groups gnomAD compares: South Asian, 0.0011%; no homozygotes.

Submissions (2):

Labcorp Genetics (formerly Invitae), Labcorp
Classification: Uncertain significance. Last evaluated: 2025-11-09. Review status: criteria provided, single submitter. Criteria: Invitae Variant Classification Sherloc (09022015). Collection method: clinical testing. Allele origin: germline.
Comment: This sequence change replaces proline, which is neutral and non-polar, with threonine, which is neutral and polar, at codon 43 of the CFH protein (p.Pro43Thr). This variant is present in population databases (rs764941928, gnomAD 0.003%). This missense change has been observed in individual(s) with CFH-related conditions (PMID: 36845135). An algorithm developed to predict the effect of missense changes on protein structure and function outputs the following: PolyPhen-2: "Possibly Damaging". The threonine amino acid residue is found in multiple mammalian species, which suggests that this missense change does not adversely affect protein function. In summary, the available evidence is currently insufficient to determine the role of this variant in disease. Therefore, it has been classified as a Variant of Uncertain Significance.

Genomenon, Inc
Classification: Uncertain significance for Atypical hemolytic-uremic syndrome. Last evaluated: 2025-10-02. Review status: criteria provided, single submitter. Criteria: Genomenon Sequence Variant Interpretation Standards - Updated. Collection method: curation. Allele origin: germline. Affected: yes.
Comment: CFH p.Pro43Thr (c.127C>A) is a missense variant that changes the amino acid at residue 43 from Proline to Threonine. This variant has been observed in at least one proband affected with atypical hemolytic-uremic syndrome (PMID:36845135). Additional clinical reports have been published (PMID:29148534). Functional studies have been reported (PMID:36845135). It is absent or not present at a significant frequency in gnomAD. In silico models agree that this variant is not damaging. In conclusion, we classify CFH p.Pro43Thr (c.127C>A) as a variant of uncertain significance.

Literature cited by the submitters: PubMed 36845135 (cited by Labcorp Genetics (formerly Invitae), Labcorp and Genomenon, Inc); PubMed 29148534 (cited by Genomenon, Inc).